The following is an entry in ClinVar:

ClinVar aggregate classification (germline): Uncertain significance. Review status: criteria provided, multiple submitters, no conflicts (2 of 4 stars). 2 submissions from 2 submitters: Uncertain significance (2). Last evaluated 2024-07-17.

Conditions:
Stuve-Wiedemann syndrome 2. Also called: Stüve-Wiedemann syndrome 2. Identifiers: MedGen C5676919, MONDO:0030756, OMIM 619751.

Allele frequency attached by ClinVar (database versions not stated): ExAC 0.00001; gnomAD 0.00001; TOPMed 0.00001.
gnomAD v4.1: 9 of 1,611,206 alleles (0.00056%); highest among the groups gnomAD compares: Middle Eastern, 0.016%; no homozygotes.

Submissions (2):

Labcorp Genetics (formerly Invitae), Labcorp
Classification: Uncertain significance. Last evaluated: 2024-07-17. Review status: criteria provided, single submitter. Criteria: Invitae Variant Classification Sherloc (09022015). Collection method: clinical testing. Allele origin: germline.
Comment: This sequence change replaces glutamic acid, which is acidic and polar, with aspartic acid, which is acidic and polar, at codon 538 of the IL6ST protein (p.Glu538Asp). This variant is present in population databases (rs759691065, gnomAD 0.002%). This variant has not been reported in the literature in individuals affected with IL6ST-related conditions. ClinVar contains an entry for this variant (Variation ID: 2575046). An algorithm developed to predict the effect of missense changes on protein structure and function (PolyPhen-2) suggests that this variant is likely to be tolerated. In summary, the available evidence is currently insufficient to determine the role of this variant in disease. Therefore, it has been classified as a Variant of Uncertain Significance.

Department of Human Genetics, Hannover Medical School
Classification: Uncertain significance for Stuve-Wiedemann syndrome 2. Last evaluated: 2023-08-09. Review status: criteria provided, single submitter. Criteria: ACMG Guidelines, 2015. Collection method: clinical testing. Allele origin: germline. Inheritance: Autosomal recessive inheritance. Affected: yes.

NM_002184.4(IL6ST):c.1614G>T (p.Glu538Asp)

Gene: IL6ST (interleukin 6 cytokine family signal transducer; minus strand). Cytogenetic location: 5q11.2.
Variant type: single nucleotide variant.
Coding change: c.1614G>T on transcript NM_002184.4 (MANE Select); coding-DNA position 1614, G replaced by T.
Protein change: p.Glu538Asp; replaces glutamic acid 538 with aspartic acid.
Molecular consequence: missense variant. On other transcripts: 3 prime UTR variant (1), non-coding transcript variant (2).
Genome position (GRCh38, 1-based): chr5:55,952,014, C>A on the plus strand (G>T on the coding strand, the complement: IL6ST is on the minus strand). VCF-style: chr5-55952014-C-A. GRCh37 (hg19) VCF-style: chr5-55247842-C-A.
Other names: c.1431G>T, p.Glu477Asp (NM_001190981.2); c.1512G>T, p.Glu504Asp (NM_001364275.2); c.1404G>T, p.Glu468Asp (NM_001364276.2); c.747G>T, p.Glu249Asp (NM_001364277.2); c.711G>T, p.Glu237Asp (NM_001364278.2); c.618G>T, p.Glu206Asp (NM_001364279.2); c.*541G>T (NM_175767.3); short protein forms E206D, E237D, E249D, E468D, E477D, E504D, E538D.
Identifiers: ClinVar variation 2575046 (VCV002575046.4), dbSNP rs759691065, ClinGen allele CA3271366.